The following is an entry in ClinVar:

ClinVar aggregate classification (germline): Uncertain significance (1 of 4 stars; one submission).

Allele frequency attached by ClinVar (database versions not stated): TOPMed below 0.00001.

Submission:

Labcorp Genetics (formerly Invitae), Labcorp
Classification: Uncertain significance. Last evaluated: 2022-04-10. Review status: criteria provided, single submitter. Criteria: Invitae Variant Classification Sherloc (09022015). Collection method: clinical testing. Allele origin: germline.
Comment: In summary, the available evidence is currently insufficient to determine the role of this variant in disease. Therefore, it has been classified as a Variant of Uncertain Significance. Algorithms developed to predict the effect of missense changes on protein structure and function are either unavailable or do not agree on the potential impact of this missense change (SIFT: "Deleterious"; PolyPhen-2: "Benign"; Align-GVGD: "Class C0"). This variant has not been reported in the literature in individuals affected with RNF168-related conditions. This variant is not present in population databases (gnomAD no frequency). This sequence change replaces glutamic acid, which is acidic and polar, with lysine, which is basic and polar, at codon 75 of the RNF168 protein (p.Glu75Lys).

NM_152617.4(RNF168):c.223G>A (p.Glu75Lys)

Gene: RNF168 (ring finger protein 168; minus strand). Cytogenetic location: 3q29.
Variant type: single nucleotide variant.
Coding change: c.223G>A on transcript NM_152617.4 (MANE Select); coding-DNA position 223, G replaced by A.
Protein change: p.Glu75Lys; replaces glutamic acid 75 with lysine.
Molecular consequence: missense variant.
Genome position (GRCh38, 1-based): chr3:196,502,951, C>T on the plus strand (G>A on the coding strand, the complement: RNF168 is on the minus strand). VCF-style: chr3-196502951-C-T. GRCh37 (hg19) VCF-style: chr3-196229822-C-T.
Other names: short protein forms E75K.
Identifiers: ClinVar variation 2124245 (VCV002124245.4), dbSNP rs1259478406, ClinGen allele CA355627936.